The following is an entry in ClinVar:

ClinVar aggregate classification (germline): Likely benign. Review status: criteria provided, multiple submitters, no conflicts (2 of 4 stars). 3 submissions from 3 submitters: Likely benign (3). Last evaluated 2025-06-13.

Allele frequency attached by ClinVar (database versions not stated): gnomAD 0.00001; TOPMed 0.00001.
gnomAD v4.1: 92 of 1,472,560 alleles (0.0062%); highest among the groups gnomAD compares: African/African-American, 0.019%; no homozygotes.

Submissions (3):

Labcorp Genetics (formerly Invitae), Labcorp
Classification: Likely benign. Last evaluated: 2025-06-13. Review status: criteria provided, single submitter. Criteria: Invitae Variant Classification Sherloc (09022015). Collection method: clinical testing. Allele origin: germline.

Blueprint Genetics
Classification: Likely benign. Last evaluated: 2022-09-07. Review status: criteria provided, single submitter. Criteria: ACMG Guidelines, 2015. Collection method: clinical testing. Allele origin: germline.

GeneDx
Classification: Likely benign. Last evaluated: 2018-05-21. Review status: criteria provided, single submitter. Criteria: GeneDx Variant Classification (06012015). Collection method: clinical testing. Allele origin: germline. Affected: yes.
Comment: This variant is considered likely benign or benign based on one or more of the following criteria: it is a conservative change, it occurs at a poorly conserved position in the protein, it is predicted to be benign by multiple in silico algorithms, and/or has population frequency not consistent with disease.

NM_006329.4(FBLN5):c.619+10G>A

Gene: FBLN5 (fibulin 5; minus strand). Cytogenetic location: 14q32.12.
Variant type: single nucleotide variant.
Coding change: c.619+10G>A on transcript NM_006329.4 (MANE Select); 10 bases into the intron after coding-DNA position 619, G replaced by A.
Molecular consequence: intron variant.
Genome position (GRCh38, 1-based): chr14:91,891,211, C>T on the plus strand (G>A on the coding strand, the complement: FBLN5 is on the minus strand). VCF-style: chr14-91891211-C-T. GRCh37 (hg19) VCF-style: chr14-92357555-C-T.
Other names: c.619+10G>A (NM_001384160.1); c.742+10G>A (NM_001384158.1); c.451+10G>A (NM_001384162.1, NM_001384161.1); c.670+10G>A (NM_001384159.1).
Identifiers: ClinVar variation 668458 (VCV000668458.10), dbSNP rs370854347, ClinGen allele CA265599576.